The following is an entry in ClinVar:

NM_000303.3(PMM2):c.485G>C (p.Arg162Pro)

Gene: PMM2 (phosphomannomutase 2; plus strand). Cytogenetic location: 16p13.2.
Variant type: single nucleotide variant.
Coding change: c.485G>C on transcript NM_000303.3 (MANE Select); coding-DNA position 485, G replaced by C.
Protein change: p.Arg162Pro; replaces arginine 162 with proline.
Molecular consequence: missense variant.
Genome position (GRCh38, 1-based): chr16:8,811,675, G>C. VCF-style: chr16-8811675-G-C. GRCh37 (hg19) VCF-style: chr16-8905532-G-C.
Other names: short protein forms R162P.
Identifiers: ClinVar variation 2028388 (VCV002028388.4), dbSNP rs749716985, ClinGen allele CA394697011.

ClinVar aggregate classification (germline): Likely pathogenic (1 of 4 stars; one submission).

Conditions:
PMM2-congenital disorder of glycosylation. Also called: CDG Ia; PMM2-CDG; Congenital disorder of glycosylation, type Ia; JAEKEN SYNDROME; PHOSPHOMANNOMUTASE 2 DEFICIENCY; CARBOHYDRATE-DEFICIENT GLYCOPROTEIN SYNDROME, TYPE Ia. Identifiers: Orphanet 79318, MedGen C0349653, MONDO:0008907, OMIM 212065.

gnomAD v4.1: 3 of 1,613,334 alleles (0.00019%); highest among the groups gnomAD compares: Non-Finnish European, 0.00025%; no homozygotes.

Submission:

Labcorp Genetics (formerly Invitae), Labcorp
Classification: Likely pathogenic for PMM2-congenital disorder of glycosylation. Last evaluated: 2023-04-24. Review status: criteria provided, single submitter. Criteria: Invitae Variant Classification Sherloc (09022015). Collection method: clinical testing. Allele origin: germline.
Comment: This sequence change replaces arginine, which is basic and polar, with proline, which is neutral and non-polar, at codon 162 of the PMM2 protein (p.Arg162Pro). This variant is not present in population databases (gnomAD no frequency). This variant has not been reported in the literature in individuals affected with PMM2-related conditions. ClinVar contains an entry for this variant (Variation ID: 2028388). Advanced modeling of protein sequence and biophysical properties (such as structural, functional, and spatial information, amino acid conservation, physicochemical variation, residue mobility, and thermodynamic stability) performed at Invitae indicates that this missense variant is expected to disrupt PMM2 protein function. This variant disrupts the p.Arg162 amino acid residue in PMM2. Other variant(s) that disrupt this residue have been determined to be pathogenic (PMID: 9140401, 9497260, 10386614, 15844218, 17166182, 21541725, 26014514). This suggests that this residue is clinically significant, and that variants that disrupt this residue are likely to be disease-causing. In summary, the currently available evidence indicates that the variant is pathogenic, but additional data are needed to prove that conclusively. Therefore, this variant has been classified as Likely Pathogenic.

Literature cited by the submitters: PubMed 9140401; PubMed 9497260; PubMed 10386614; PubMed 15844218; PubMed 17166182; PubMed 21541725; PubMed 26014514.